The following is an entry in ClinVar:

ClinVar aggregate classification (germline): Uncertain significance (1 of 4 stars; one submission).

Conditions:
Leigh syndrome (NULS). Also called: Leigh's necrotizing encephalopathy; Leigh's disease; Leigh Syndrome (mtDNA deletion); Leigh Disease; Subacute necrotizing encephalopathy; Necrotizing encephalopathy infantile subacute of Leigh. Identifiers: Orphanet 506, MedGen C2931891, MONDO:0009723, OMIM 256000.

Submission:

Wong Mito Lab, Molecular and Human Genetics, Baylor College of Medicine
Classification: Uncertain significance for Leigh syndrome. Last evaluated: 2019-10-17. Review status: criteria provided, single submitter. Criteria: Modified ACMG Guidelines (Unpublished). Collection method: clinical testing. Allele origin: germline.
Comment: The NC_012920.1:m.7284T>G (YP_003024028.1:p.Ser461Ala) variant in MTCO1 gene is interpretated to be a Uncertain Significance variant based on the modified ACMG guidelines (unpublished). This variant meets the following evidence codes: PP3, PP7

NC_012920.1(MT-CO1):m.7284T>G

Gene: MT-CO1 (mitochondrially encoded cytochrome c oxidase I; plus strand).
Variant type: single nucleotide variant.
Genome position: chrM-7284-T-G.
Identifiers: ClinVar variation 692728 (VCV000692728.1), dbSNP rs1603220868, ClinGen allele CA414792222.